The following is an entry in ClinVar:

NM_001330078.2(NRXN1):c.2638A>C (p.Ile880Leu)

Gene: NRXN1 (neurexin 1; minus strand). Cytogenetic location: 2p16.3.
Variant type: single nucleotide variant.
Coding change: c.2638A>C on transcript NM_001330078.2 (MANE Select); coding-DNA position 2638, A replaced by C.
Protein change: p.Ile880Leu; replaces isoleucine 880 with leucine.
Molecular consequence: missense variant.
Genome position (GRCh38, 1-based): chr2:50,497,574, T>G on the plus strand (A>C on the coding strand, the complement: NRXN1 is on the minus strand). VCF-style: chr2-50497574-T-G. GRCh37 (hg19) VCF-style: chr2-50724712-T-G.
Other names: c.2638A>C, p.Ile880Leu (NM_001330086.2, NM_004801.6); c.2527A>C, p.Ile843Leu (NM_001330087.2, NM_001330096.2); c.2557A>C, p.Ile853Leu (NM_001330088.2); c.2635A>C, p.Ile879Leu (NM_001330093.2); c.2626A>C, p.Ile876Leu (NM_001330094.2); c.2587A>C, p.Ile863Leu (NM_001330095.2); c.2758A>C, p.Ile920Leu (NM_001135659.3); c.2614A>C, p.Ile872Leu (NM_001330077.2, NM_001330082.2); and 2 more; short protein forms I863L, I876L, I843L, I853L, I871L, I920L, I858L, I872L.
Identifiers: ClinVar variation 2848610 (VCV002848610.3), dbSNP rs752064592, ClinGen allele CA346777207.
Genomic context (GRCh38, chr2:50,497,574, plus strand): 5'-TGAAGCCAAATCTGGCATTAAGCTCACAGTAATCTATGTCGCCATTTTTACACAGGTCAA[T>G]GTATGCCATTCCATTAAATGTCAAGCTCTGCAGGTGTCCAATGAAGTTGGAGGGGACAGA-3'
Protein context (NP_001317007.1, residues 870-890): QSLTFNGMAY[Ile880Leu]DLCKNGDIDY

ClinVar aggregate classification (germline): Uncertain significance (1 of 4 stars; one submission).

Conditions:
Pitt-Hopkins-like syndrome 2 (PTHSL2). Identifiers: Orphanet 221150, Orphanet 600663, MedGen C3280479, MONDO:0013690, OMIM 614325.

Submission:

Labcorp Genetics (formerly Invitae), Labcorp
Classification: Uncertain significance for Pitt-Hopkins-like syndrome 2. Last evaluated: 2023-03-22. Review status: criteria provided, single submitter. Criteria: Invitae Variant Classification Sherloc (09022015). Collection method: clinical testing. Allele origin: germline.
Comment: This sequence change replaces isoleucine, which is neutral and non-polar, with leucine, which is neutral and non-polar, at codon 920 of the NRXN1 protein (p.Ile920Leu). In summary, the available evidence is currently insufficient to determine the role of this variant in disease. Therefore, it has been classified as a Variant of Uncertain Significance. An algorithm developed to predict the effect of missense changes on protein structure and function (PolyPhen-2) suggests that this variant is likely to be tolerated. This variant has not been reported in the literature in individuals affected with NRXN1-related conditions. This variant is not present in population databases (gnomAD no frequency).